The following is an entry in ClinVar:

NM_005334.3(HCFC1):c.3990C>T (p.Thr1330=)

Gene: HCFC1 (host cell factor C1; minus strand). Cytogenetic location: Xq28.
Variant type: single nucleotide variant.
Coding change: c.3990C>T on transcript NM_005334.3 (MANE Select); coding-DNA position 3990, C replaced by T.
Protein change: p.Thr1330=; no amino-acid change (threonine 1330 retained).
Molecular consequence: synonymous variant.
Genome position (GRCh38, 1-based): chrX:153,954,409, G>A on the plus strand (C>T on the coding strand, the complement: HCFC1 is on the minus strand). VCF-style: chrX-153954409-G-A. GRCh37 (hg19) VCF-style: chrX-153219860-G-A.
Identifiers: ClinVar variation 618677 (VCV000618677.8), dbSNP rs1329487679, ClinGen allele CA519702420.

ClinVar aggregate classification (germline): Likely benign (1 of 4 stars; one submission).

Allele frequency attached by ClinVar (database versions not stated): gnomAD 0.00005.

Submission:

ARUP Laboratories, Molecular Genetics and Genomics, ARUP Laboratories
Classification: Likely benign. Last evaluated: 2017-05-02. Review status: criteria provided, single submitter. Criteria: ARUP Molecular Germline Variant Investigation Process. Collection method: clinical testing. Allele origin: germline.
Comment: The HCFC1 c.3990C>T; p.Thr1330Thr variant, to our knowledge, is not reported in the medical literature or gene-specific databases, and is listed on only 1 allele in the Genome Aggregation Database, but is considered a low confidence variant in the database. This is a synonymous variant at a weakly conserved nucleotide, and computational algorithms (Alamut v.2.11) predict no impact on splicing. Based on available information, this variant is considered likely benign.